The following is an entry in ClinVar:

ClinVar aggregate classification (germline): Uncertain significance (1 of 4 stars; one submission).

Conditions:
RFT1-congenital disorder of glycosylation (CDG1N). Also called: RFT1-CDG; Congenital disorder of glycosylation type In; CDG In. Identifiers: Orphanet 244310, MedGen C2677590, MONDO:0012783, OMIM 612015.

Submission:

Labcorp Genetics (formerly Invitae), Labcorp
Classification: Uncertain significance for RFT1-congenital disorder of glycosylation. Last evaluated: 2024-02-24. Review status: criteria provided, single submitter. Criteria: Invitae Variant Classification Sherloc (09022015). Collection method: clinical testing. Allele origin: germline.
Comment: This sequence change creates a premature translational stop signal (p.Leu411Cysfs*12) in the RFT1 gene. It is expected to result in an absent or disrupted protein product. However, the current clinical and genetic evidence is not sufficient to establish whether loss-of-function variants in RFT1 cause disease. This variant is present in population databases (rs771934344, gnomAD 0.006%). This variant has not been reported in the literature in individuals affected with RFT1-related conditions. ClinVar contains an entry for this variant (Variation ID: 1476610). In summary, the available evidence is currently insufficient to determine the role of this variant in disease. Therefore, it has been classified as a Variant of Uncertain Significance.

NM_052859.4(RFT1):c.1231del (p.Leu411fs)

Gene: RFT1 (RFT1 glycolipid translocator homolog; minus strand). Cytogenetic location: 3p21.1.
Variant type: Deletion.
Coding change: c.1231del on transcript NM_052859.4 (MANE Select); coding-DNA position 1231, one base deleted (C; older notation c.1231delC).
Protein change: p.Leu411fs; shifts the reading frame from leucine 411.
Molecular consequence: frameshift variant.
Genome position (GRCh38, 1-based): chr3:53,092,596, G deleted on the plus strand (C on the coding strand, the reverse complement: RFT1 is on the minus strand); the first of 3 consecutive G bases (chr3:53,092,596-53,092,598); deleting any one gives the same sequence. VCF-style (leftmost placement, unchanged base first): chr3-53092595-AG-A. GRCh37 (hg19) VCF-style: chr3-53126611-AG-A.
Other names: short protein forms L411fs.
Identifiers: ClinVar variation 1476610 (VCV001476610.4), dbSNP rs771934344, ClinGen allele CA2451195.